The following is an entry in ClinVar:

ClinVar aggregate classification (germline): Uncertain significance (1 of 4 stars; one submission).

Allele frequency attached by ClinVar (database versions not stated): gnomAD exomes below 0.00001.
gnomAD v4.1: 1 of 1,614,146 alleles (0.000062%); highest among the groups gnomAD compares: South Asian, 0.0011%; no homozygotes.

Submission:

Labcorp Genetics (formerly Invitae), Labcorp
Classification: Uncertain significance. Last evaluated: 2021-02-03. Review status: criteria provided, single submitter. Criteria: Invitae Variant Classification Sherloc (09022015). Collection method: clinical testing. Allele origin: germline.
Comment: In summary, the available evidence is currently insufficient to determine the role of this variant in disease. Therefore, it has been classified as a Variant of Uncertain Significance. This sequence change falls in intron 12 of the TBCE gene. It does not directly change the encoded amino acid sequence of the TBCE protein. This variant is not present in population databases (ExAC no frequency). This variant has not been reported in the literature in individuals with TBCE-related conditions. Algorithms developed to predict the effect of sequence changes on RNA splicing suggest that this variant may disrupt the consensus splice site, but this prediction has not been confirmed by published transcriptional studies.

NM_003193.5(TBCE):c.1117-9T>G

Gene: TBCE (tubulin folding cofactor E; plus strand). Cytogenetic location: 1q42.3.
Variant type: single nucleotide variant.
Coding change: c.1117-9T>G on transcript NM_003193.5 (MANE Select); 9 bases into the intron before coding-DNA position 1117, T replaced by G.
Molecular consequence: intron variant.
Genome position (GRCh38, 1-based): chr1:235,438,760, T>G. VCF-style: chr1-235438760-T-G. GRCh37 (hg19) VCF-style: chr1-235602075-T-G.
Other names: c.1117-9T>G (NM_001079515.3); c.1270-9T>G (NM_001287801.2); c.778-9T>G (NM_001287802.2).
Identifiers: ClinVar variation 1039394 (VCV001039394.5), dbSNP rs1681627096, ClinGen allele CA2486499857.